The following is an entry in ClinVar:

ClinVar aggregate classification (germline): Benign/Likely benign. Review status: criteria provided, multiple submitters, no conflicts (2 of 4 stars). 6 submissions from 6 submitters: Benign (4); Likely benign (1). 1 of the submissions does not count toward it. Last evaluated 2026-02-04.

Conditions:
Autosomal recessive nonsyndromic hearing loss 3. Also called: NEUROSENSORY NONSYNDROMIC RECESSIVE DEAFNESS 3. Identifiers: Orphanet 90636, MedGen C1838263, MONDO:0010860, OMIM 600316.

Allele frequency attached by ClinVar (database versions not stated): ESP Exome Variant Server 0.00183; TOPMed 0.00250; gnomAD 0.00347 and 0.00378; 1000 Genomes Project 30x 0.00468; 1000 Genomes Project 0.00559; ExAC 0.00625.
gnomAD v4.1: 5,375 of 1,612,882 alleles (0.33%); highest among the groups gnomAD compares: East Asian, 4.6%; 69 homozygotes.

Submissions (6):

Labcorp Genetics (formerly Invitae), Labcorp
Classification: Benign. Last evaluated: 2026-02-04. Review status: criteria provided, single submitter. Criteria: Invitae Variant Classification Sherloc (09022015). Collection method: clinical testing. Allele origin: germline.

CeGaT Center for Human Genetics Tuebingen
Classification: Benign. Last evaluated: 2025-08-01. Review status: criteria provided, single submitter. Criteria: CeGaT Center For Human Genetics Tuebingen Variant Classification Criteria Version 2. Collection method: clinical testing. Allele origin: germline. Affected: yes. Observed: 3 variant alleles.
Comment: MYO15A: BP4, BS1, BS2

Mendelics
Classification: Likely benign for Autosomal recessive nonsyndromic hearing loss 3. Last evaluated: 2019-05-28. Review status: criteria provided, single submitter. Criteria: Mendelics Assertion Criteria 2017. Collection method: clinical testing. Allele origin: unknown.

GeneDx
Classification: Benign. Last evaluated: 2018-03-30. Review status: criteria provided, single submitter. Criteria: GeneDx Variant Classification (06012015). Collection method: clinical testing. Allele origin: germline. Affected: yes.
Comment: This variant is considered likely benign or benign based on one or more of the following criteria: it is a conservative change, it occurs at a poorly conserved position in the protein, it is predicted to be benign by multiple in silico algorithms, and/or has population frequency not consistent with disease.

Laboratory for Molecular Medicine, Mass General Brigham Personalized Medicine
Classification: Benign. Last evaluated: 2015-11-12. Review status: criteria provided, single submitter. Criteria: LMM Criteria. Collection method: clinical testing. Allele origin: germline. Observed: 4 variant alleles.

Molecular Diagnosis Center for Deafness
Classification: Pathogenic for Autosomal recessive nonsyndromic hearing loss 3. Review status: flagged submission. Criteria: ClinGen HL ACMG Specifications v1. Collection method: clinical testing. Allele origin: inherited. Observed: 2 variant alleles. Not counted in ClinVar's aggregate classification.
ClinVar note: Reason: Outlier claim with insufficient supporting evidence

Literature cited by the submitters: PubMed 23767834 (cited by Laboratory for Molecular Medicine, Mass General Brigham Personalized Medicine).

NM_016239.4(MYO15A):c.3026C>A (p.Pro1009His)

Gene: MYO15A (myosin XVA; plus strand). Cytogenetic location: 17p11.2.
Variant type: single nucleotide variant.
Coding change: c.3026C>A on transcript NM_016239.4 (MANE Select); coding-DNA position 3026, C replaced by A.
Protein change: p.Pro1009His; replaces proline 1009 with histidine.
Molecular consequence: missense variant.
Genome position (GRCh38, 1-based): chr17:18,121,826, C>A. VCF-style: chr17-18121826-C-A. GRCh37 (hg19) VCF-style: chr17-18025140-C-A.
Other names: short protein forms P1009H.
Identifiers: ClinVar variation 226782 (VCV000226782.62), dbSNP rs117612144, ClinGen allele CA8423361.